The following is an entry in ClinVar:

ClinVar aggregate classification (germline): Pathogenic (1 of 4 stars; one submission).

Submission:

Labcorp Genetics (formerly Invitae), Labcorp
Classification: Pathogenic. Last evaluated: 2022-07-05. Review status: criteria provided, single submitter. Criteria: Invitae Variant Classification Sherloc (09022015). Collection method: clinical testing. Allele origin: germline.
Comment: This sequence change creates a premature translational stop signal (p.Leu56Hisfs*48) in the RSPO4 gene. It is expected to result in an absent or disrupted protein product. Loss-of-function variants in RSPO4 are known to be pathogenic (PMID: 17041604, 17186469, 17914448). This variant is not present in population databases (gnomAD no frequency). This variant has not been reported in the literature in individuals affected with RSPO4-related conditions. Algorithms developed to predict the effect of sequence changes on RNA splicing suggest that this variant may create or strengthen a splice site. For these reasons, this variant has been classified as Pathogenic.

Literature cited by the submitters: PubMed 17041604; PubMed 17186469; PubMed 17914448.

NM_001029871.4(RSPO4):c.145_166dup (p.Leu56fs)

Gene: RSPO4 (R-spondin 4; minus strand). Cytogenetic location: 20p13.
Variant type: Duplication.
Coding change: c.145_166dup on transcript NM_001029871.4 (MANE Select); coding-DNA positions 145 to 166, 22 bases duplicated (ACCTGCCAGCAGAGGCTCTTCC).
Protein change: p.Leu56fs; shifts the reading frame from leucine 56.
Molecular consequence: frameshift variant.
Genome position (GRCh38, 1-based): chr20:968,052-968,073, GGAAGAGCCTCTGCTGGCAGGT duplicated on the plus strand (ACCTGCCAGCAGAGGCTCTTCC on the coding strand, the reverse complement: RSPO4 is on the minus strand); duplicating any 22 consecutive bases within chr20:968,052-968,077 gives the same sequence; the c. name uses the placement nearest the transcript's 3' end. VCF-style (leftmost placement, unchanged base first): chr20-968051-A-AGGAAGAGCCTCTGCTGGCAGGT. GRCh37 (hg19) VCF-style: chr20-948694-A-AGGAAGAGCCTCTGCTGGCAGGT.
Other names: c.145_166dup, p.Leu56fs (NM_001040007.3); short protein forms L56fs.
Identifiers: ClinVar variation 2157189 (VCV002157189.1), dbSNP rs2514350543, ClinGen allele CA2580097952.